The following is an entry in ClinVar:

ClinVar aggregate classification (germline): Uncertain significance (1 of 4 stars; one submission).

Conditions:
Hereditary breast ovarian cancer syndrome. Also called: Hereditary breast and ovarian cancer; BRCA1- and BRCA2-Associated Hereditary Breast and Ovarian Cancer; Hereditary breast and/or ovarian cancer syndrome; Hereditary breast and ovarian cancer syndrome; Hereditary breast and ovarian cancer syndrome (HBOC); Breast and ovarian cancer. Identifiers: Orphanet 145, MedGen C0677776, MeSH D061325, MONDO:0003582. Disease mechanism: loss of function.

Submission:

Labcorp Genetics (formerly Invitae), Labcorp
Classification: Uncertain significance for Hereditary breast ovarian cancer syndrome. Last evaluated: 2019-11-02. Review status: criteria provided, single submitter. Criteria: Invitae Variant Classification Sherloc (09022015). Collection method: clinical testing. Allele origin: germline.
Comment: This variant is not present in population databases (ExAC no frequency). This sequence change replaces valine with leucine at codon 3166 of the BRCA2 protein (p.Val3166Leu). The valine residue is moderately conserved and there is a small physicochemical difference between valine and leucine. This variant has not been reported in the literature in individuals with BRCA2-related conditions. Algorithms developed to predict the effect of missense changes on protein structure and function (SIFT, PolyPhen-2, Align-GVGD) all suggest that this variant is likely to be tolerated, but these predictions have not been confirmed by published functional studies and their clinical significance is uncertain. In summary, the available evidence is currently insufficient to determine the role of this variant in disease. Therefore, it has been classified as a Variant of Uncertain Significance.

NM_000059.4(BRCA2):c.9496G>C (p.Val3166Leu)

Gene: BRCA2 (BRCA2 DNA repair associated; plus strand). Cytogenetic location: 13q13.1.
Variant type: single nucleotide variant.
Coding change: c.9496G>C on transcript NM_000059.4 (MANE Select); coding-DNA position 9496, G replaced by C.
Protein change: p.Val3166Leu; replaces valine 3166 with leucine.
Molecular consequence: missense variant.
Genome position (GRCh38, 1-based): chr13:32,394,928, G>C. VCF-style: chr13-32394928-G-C. GRCh37 (hg19) VCF-style: chr13-32969065-G-C.
Other names: short protein forms V3166L.
Identifiers: ClinVar variation 960662 (VCV000960662.10), dbSNP rs398122615, ClinGen allele CA387761882.